The following is an entry in ClinVar:

ClinVar aggregate classification (germline): Uncertain significance (1 of 4 stars; one submission).

Conditions:
Familial cancer of breast. Also called: hereditary breast carcinoma; Hereditary breast cancer; BREAST CANCER, FAMILIAL. Identifiers: Orphanet 227535, MedGen C0346153, MONDO:0016419, OMIM 114480. Disease mechanism: loss of function.

Submission:

Labcorp Genetics (formerly Invitae), Labcorp
Classification: Uncertain significance for Familial cancer of breast. Last evaluated: 2018-09-10. Review status: criteria provided, single submitter. Criteria: Invitae Variant Classification Sherloc (09022015). Collection method: clinical testing. Allele origin: germline.
Comment: This variant, c.783_788delAGCAAG, results in the deletion of 2 amino acids of the BARD1 protein (p.Ala262_Ser263del), but otherwise preserves the integrity of the reading frame. In summary, the available evidence is currently insufficient to determine the role of this variant in disease. Therefore, it has been classified as a Variant of Uncertain Significance. Experimental studies and prediction algorithms are not available for this variant, and the functional significance of the affected amino acids is currently unknown. This variant has not been reported in the literature in individuals with BARD1-related disease. This variant is not present in population databases (ExAC no frequency).

NM_000465.4(BARD1):c.783_788del (p.Ala262_Ser263del)

Gene: BARD1 (BRCA1 associated RING domain 1; minus strand). Cytogenetic location: 2q35.
Variant type: Deletion.
Coding change: c.783_788del on transcript NM_000465.4 (MANE Select); coding-DNA positions 783 to 788, 6 bases deleted (AGCAAG; older notation c.783_788delAGCAAG).
Protein change: p.Ala262_Ser263del.
Molecular consequence: inframe deletion. On other transcripts: non-coding transcript variant (2), intron variant (3).
Genome position (GRCh38, 1-based): chr2:214,781,086-214,781,091, CTTGCT deleted on the plus strand (AGCAAG on the coding strand, the reverse complement: BARD1 is on the minus strand). VCF-style (leftmost placement, unchanged base first): chr2-214781085-ACTTGCT-A. GRCh37 (hg19) VCF-style: chr2-215645809-ACTTGCT-A.
Other names: c.726_731del, p.Ala243_Ser244del (NM_001282543.2); c.158+28321_158+28326del (NM_001282548.2); c.215+15970_215+15975del (NM_001282545.2); c.364+11206_364+11211del (NM_001282549.2).
Identifiers: ClinVar variation 647969 (VCV000647969.9), dbSNP rs1574819364, ClinGen allele CA915941690.